The following is an entry in ClinVar:

NM_001378457.1(DMXL2):c.3013A>G (p.Ile1005Val)

Gene: DMXL2 (Dmx like 2; minus strand). Cytogenetic location: 15q21.2.
Variant type: single nucleotide variant.
Coding change: c.3013A>G on transcript NM_001378457.1 (MANE Select); coding-DNA position 3013, A replaced by G.
Protein change: p.Ile1005Val; replaces isoleucine 1005 with valine.
Molecular consequence: missense variant. On other transcripts: non-coding transcript variant (2), intron variant (2).
Genome position (GRCh38, 1-based): chr15:51,500,211, T>C on the plus strand (A>G on the coding strand, the complement: DMXL2 is on the minus strand). VCF-style: chr15-51500211-T-C. GRCh37 (hg19) VCF-style: chr15-51792408-T-C.
Other names: c.3013A>G, p.Ile1005Val (NM_001174116.3, NM_001378458.1, NM_001378459.1 and 4 more transcripts); c.2773A>G, p.Ile925Val (NM_001378464.1); c.2764+6923A>G (NM_001378460.1); c.2765-5077A>G (NM_001174117.3); short protein forms I1005V, I925V.
Identifiers: ClinVar variation 1436218 (VCV001436218.5), dbSNP rs368879102, ClinGen allele CA270574949.

ClinVar aggregate classification (germline): Uncertain significance (1 of 4 stars; one submission).

Allele frequency attached by ClinVar (database versions not stated): gnomAD exomes below 0.00001; TOPMed 0.00002.
gnomAD v4.1: 1 of 1,603,144 alleles (0.000062%); no homozygotes.

Submission:

Labcorp Genetics (formerly Invitae), Labcorp
Classification: Uncertain significance. Last evaluated: 2022-08-19. Review status: criteria provided, single submitter. Criteria: Invitae Variant Classification Sherloc (09022015). Collection method: clinical testing. Allele origin: germline.
Comment: This sequence change replaces isoleucine, which is neutral and non-polar, with valine, which is neutral and non-polar, at codon 1005 of the DMXL2 protein (p.Ile1005Val). This variant is not present in population databases (gnomAD no frequency). This variant has not been reported in the literature in individuals affected with DMXL2-related conditions. ClinVar contains an entry for this variant (Variation ID: 1436218). Algorithms developed to predict the effect of missense changes on protein structure and function (SIFT, PolyPhen-2, Align-GVGD) all suggest that this variant is likely to be tolerated. Algorithms developed to predict the effect of sequence changes on RNA splicing suggest that this variant may create or strengthen a splice site. In summary, the available evidence is currently insufficient to determine the role of this variant in disease. Therefore, it has been classified as a Variant of Uncertain Significance.